The following is an entry in ClinVar:

ClinVar aggregate classification (germline): Benign. Review status: criteria provided, multiple submitters, no conflicts (2 of 4 stars). 2 submissions from 2 submitters: Benign (2). Last evaluated 2016-03-29.

Allele frequency attached by ClinVar (database versions not stated): 1000 Genomes Project 30x 0.01874; 1000 Genomes Project 0.02077; TOPMed 0.03228; gnomAD 0.03365 and 0.03426; gnomAD exomes 0.04796.
gnomAD v4.1: 42,308 of 926,772 alleles (4.6%); highest among the groups gnomAD compares: Middle Eastern, 8.8%; 1,126 homozygotes.

Submissions (2):

Laboratory for Molecular Medicine, Mass General Brigham Personalized Medicine
Classification: Benign. Last evaluated: 2016-03-29. Review status: criteria provided, single submitter. Criteria: LMM Criteria. Collection method: clinical testing. Allele origin: germline.
Comment: Variant identified in a genome or exome case(s) and assessed due to predicted null impact of the variant or pathogenic assertions in the literature or databases. Disclaimer: This variant has not undergone full assessment. The following are preliminary notes: Frequency

Breakthrough Genomics
Classification: Benign. Review status: criteria provided, single submitter. Criteria: ACMG Guidelines, 2015. Collection method: not provided. Allele origin: germline. Inheritance: Autosomal recessive inheritance. Affected: yes.

NM_006785.4(MALT1):c.-84G>A

Genes: MALT1 (MALT1 paracaspase; plus strand), MALT1-AS1 (MALT1 antisense RNA 1; minus strand), LOC130062586 (ATAC-STARR-seq lymphoblastoid silent region 9487; plus strand). Cytogenetic location: 18q21.32.
Variant type: single nucleotide variant.
Coding change: c.-84G>A on transcript NM_006785.4 (MANE Select); 84 bases upstream of the start codon, G replaced by A.
Molecular consequence: 5 prime UTR variant. On other transcripts: non-coding transcript variant (1).
Genome position (GRCh38, 1-based): chr18:58,671,560, G>A. VCF-style: chr18-58671560-G-A. GRCh37 (hg19) VCF-style: chr18-56338792-G-A.
Other names: c.-84G>A (NM_173844.3).
Identifiers: ClinVar variation 403068 (VCV000403068.5), dbSNP rs56142402, ClinGen allele CA16609772.